The following is an entry in ClinVar:

NM_021939.4(FKBP10):c.83G>A (p.Gly28Glu)

Gene: FKBP10 (FKBP prolyl isomerase 10; plus strand). Cytogenetic location: 17q21.2.
Variant type: single nucleotide variant.
Coding change: c.83G>A on transcript NM_021939.4 (MANE Select); coding-DNA position 83, G replaced by A.
Protein change: p.Gly28Glu; replaces glycine 28 with glutamic acid.
Molecular consequence: missense variant.
Genome position (GRCh38, 1-based): chr17:41,813,117, G>A. VCF-style: chr17-41813117-G-A. GRCh37 (hg19) VCF-style: chr17-39969369-G-A.
Other names: c.83G>A (NM_021939.3); short protein forms G28E.
Identifiers: ClinVar variation 1414626 (VCV001414626.5), dbSNP rs202017366, ClinGen allele CA8566119.
Genomic context (GRCh38, chr17:41,813,117, plus strand): 5'-GCCACAGCCTCCTCCGGCTCCCCCTGCTGCAGTTGCTGCTACTGGTGGTGCAGGCCGTGG[G>A]GAGGGGGCTGGGCCGCGCCAGCCCGGCCGGGGGCCCCCTGGAAGATGTGGTCATCGAGAG-3'
Protein context (NP_068758.3, residues 18-38): QLLLLVVQAV[Gly28Glu]RGLGRASPAG

ClinVar aggregate classification (germline): Conflicting classifications of pathogenicity. Review status: criteria provided, conflicting classifications (1 of 4 stars). 3 submissions from 3 submitters: Uncertain significance (2); Likely benign (1). Last evaluated 2024-05-23.

Conditions:
Inborn genetic diseases. Identifiers: MedGen C0950123, MeSH D030342.

Allele frequency attached by ClinVar (database versions not stated): gnomAD exomes 0.00002 and 0.00004; ExAC 0.00005; gnomAD 0.00047; 1000 Genomes Project 0.00080; 1000 Genomes Project 30x 0.00094; TOPMed 0.00109.
gnomAD v4.1: 107 of 1,611,490 alleles (0.0066%); highest among the groups gnomAD compares: Admixed American, 0.15%; 1 homozygote.

Submissions (3):

Ambry Genetics
Classification: Uncertain significance for Inborn genetic diseases. Last evaluated: 2024-05-23. Review status: criteria provided, single submitter. Criteria: Ambry Variant Classification Scheme 2023. Collection method: clinical testing. Allele origin: germline.

Labcorp Genetics (formerly Invitae), Labcorp
Classification: Uncertain significance. Last evaluated: 2022-08-20. Review status: criteria provided, single submitter. Criteria: Invitae Variant Classification Sherloc (09022015). Collection method: clinical testing. Allele origin: germline.
Comment: This sequence change replaces glycine, which is neutral and non-polar, with glutamic acid, which is acidic and polar, at codon 28 of the FKBP10 protein (p.Gly28Glu). The frequency data for this variant in the population databases is considered unreliable, as metrics indicate poor data quality at this position in the gnomAD database. This variant has not been reported in the literature in individuals affected with FKBP10-related conditions. ClinVar contains an entry for this variant (Variation ID: 1414626). Algorithms developed to predict the effect of missense changes on protein structure and function output the following: SIFT: "Tolerated"; PolyPhen-2: "Benign"; Align-GVGD: "Class C0". The glutamic acid amino acid residue is found in multiple mammalian species, which suggests that this missense change does not adversely affect protein function. In summary, the available evidence is currently insufficient to determine the role of this variant in disease. Therefore, it has been classified as a Variant of Uncertain Significance.

Blueprint Genetics
Classification: Likely benign. Last evaluated: 2021-06-21. Review status: criteria provided, single submitter. Criteria: ACMG Guidelines, 2015. Collection method: clinical testing. Allele origin: germline.